The following is an entry in ClinVar:

NM_001364905.1(LRBA):c.6330+4920dup

Genes: LRBA (LPS responsive beige-like anchor protein; minus strand), MAB21L2 (mab-21 like 2; plus strand). Cytogenetic location: 4q31.3.
Variant type: Duplication.
Coding change: c.6330+4920dup on transcript NM_001364905.1 (MANE Select); 4920 bases into the intron after coding-DNA position 6330, one base duplicated (C; older notation c.6330+4920dupC).
Molecular consequence: intron variant. On other transcripts: frameshift variant (1).
Genome position (GRCh38, 1-based): chr4:150,583,128, G duplicated on the plus strand (C on the coding strand, the reverse complement: LRBA is on the minus strand); the first of 2 consecutive G bases (chr4:150,583,128-150,583,129); duplicating either gives the same sequence. VCF-style (leftmost placement, unchanged base first): chr4-150583127-A-AG. GRCh37 (hg19) VCF-style: chr4-151504279-A-AG.
Other names: c.100dup, p.Val34fs (NM_006439.5); c.6330+4920dup (NM_001367550.1, NM_001199282.3, NM_001440431.1); c.6363+4920dup (NM_006726.5, NM_001440430.1); short protein forms V34fs.
Identifiers: ClinVar variation 4540089 (VCV004540089.1).

ClinVar aggregate classification (germline): Uncertain significance (1 of 4 stars; one submission).

Submission:

GeneDx
Classification: Uncertain significance. Last evaluated: 2025-06-25. Review status: criteria provided, single submitter. Criteria: GeneDx Variant Classification Process June 2021. Collection method: clinical testing. Allele origin: germline. Affected: yes.
Comment: Not observed at significant frequency in large population cohorts (gnomAD); Frameshift variant predicted to result in abnormal protein length as the last 326 amino acid(s) are replaced with 2 different amino acid(s); Has not been previously published as pathogenic or benign to our knowledge